The following is an entry in ClinVar:

ClinVar aggregate classification (germline): Pathogenic (1 of 4 stars; one submission).

Conditions:
Alstrom syndrome (ALMS). Identifiers: Orphanet 64, MedGen C0268425, MONDO:0008763, OMIM 203800.

Submission:

Labcorp Genetics (formerly Invitae), Labcorp
Classification: Pathogenic for Alstrom syndrome. Last evaluated: 2024-03-14. Review status: criteria provided, single submitter. Criteria: Invitae Variant Classification Sherloc (09022015). Collection method: clinical testing. Allele origin: germline.
Comment: This sequence change creates a premature translational stop signal (p.Asp2978*) in the ALMS1 gene. It is expected to result in an absent or disrupted protein product. Loss-of-function variants in ALMS1 are known to be pathogenic (PMID: 17594715). This variant is not present in population databases (gnomAD no frequency). This variant has not been reported in the literature in individuals affected with ALMS1-related conditions. For these reasons, this variant has been classified as Pathogenic.

Literature cited by the submitters: PubMed 17594715.

NM_001378454.1(ALMS1):c.8929_8938del (p.Val2976_Asp2977insTer)

Gene: ALMS1 (ALMS1 centrosome and basal body associated protein; plus strand). Cytogenetic location: 2p13.1.
Variant type: Deletion.
Coding change: c.8929_8938del on transcript NM_001378454.1 (MANE Select); coding-DNA positions 8929 to 8938, 10 bases deleted (GATGACCAAA; older notation c.8929_8938delGATGACCAAA).
Protein change: p.Val2976_Asp2977insTer.
Molecular consequence: nonsense.
Genome position (GRCh38, 1-based): chr2:73,490,888-73,490,897, GATGACCAAA deleted; deleting any 10 consecutive bases within chr2:73,490,887-73,490,897 gives the same sequence; the c. name uses the placement nearest the transcript's 3' end. VCF-style (leftmost placement, unchanged base first): chr2-73490886-TAGATGACCAA-T. GRCh37 (hg19) VCF-style: chr2-73718013-TAGATGACCAA-T.
Other names: c.8932_8941del, p.Val2977_Asp2978insTer (NM_015120.4).
Identifiers: ClinVar variation 3645979 (VCV003645979.2).